The following is an entry in ClinVar:

NM_001252024.2(TRPM1):c.4150A>G (p.Lys1384Glu)

Gene: TRPM1 (transient receptor potential cation channel subfamily M member 1; minus strand). Cytogenetic location: 15q13.3.
Variant type: single nucleotide variant.
Coding change: c.4150A>G on transcript NM_001252024.2 (MANE Select); coding-DNA position 4150, A replaced by G.
Protein change: p.Lys1384Glu; replaces lysine 1384 with glutamic acid.
Molecular consequence: missense variant.
Genome position (GRCh38, 1-based): chr15:31,002,550, T>C on the plus strand (A>G on the coding strand, the complement: TRPM1 is on the minus strand). VCF-style: chr15-31002550-T-C. GRCh37 (hg19) VCF-style: chr15-31294753-T-C.
Other names: c.4201A>G, p.Lys1401Glu (NM_001252020.2); c.4084A>G, p.Lys1362Glu (NM_002420.6); short protein forms K1362E, K1384E, K1401E.
Identifiers: ClinVar variation 1973770 (VCV001973770.5), dbSNP rs1400976030, ClinGen allele CA391527809.

ClinVar aggregate classification (germline): Uncertain significance (1 of 4 stars; one submission).

Allele frequency attached by ClinVar (database versions not stated): gnomAD 0.00001; gnomAD exomes 0.00001; TOPMed 0.00002.
gnomAD v4.1: 20 of 1,614,048 alleles (0.0012%); highest among the groups gnomAD compares: African/African-American, 0.004%; no homozygotes.

Submission:

Labcorp Genetics (formerly Invitae), Labcorp
Classification: Uncertain significance. Last evaluated: 2022-02-21. Review status: criteria provided, single submitter. Criteria: Invitae Variant Classification Sherloc (09022015). Collection method: clinical testing. Allele origin: germline.
Comment: In summary, the available evidence is currently insufficient to determine the role of this variant in disease. Therefore, it has been classified as a Variant of Uncertain Significance. Algorithms developed to predict the effect of missense changes on protein structure and function (SIFT, PolyPhen-2, Align-GVGD) all suggest that this variant is likely to be tolerated. This variant has not been reported in the literature in individuals affected with TRPM1-related conditions. This variant is present in population databases (no rsID available, gnomAD 0.02%). This sequence change replaces lysine, which is basic and polar, with glutamic acid, which is acidic and polar, at codon 1362 of the TRPM1 protein (p.Lys1362Glu).